The following is an entry in ClinVar:

ClinVar aggregate classification (germline): Uncertain significance (1 of 4 stars; one submission).

Conditions:
Hereditary cancer-predisposing syndrome. Also called: Tumor predisposition; Hereditary neoplastic syndrome; Hereditary Cancer Syndrome; Neoplastic Syndromes, Hereditary. Identifiers: Orphanet 140162, MedGen C0027672, MeSH D009386, MONDO:0015356.

Submission:

Ambry Genetics
Classification: Uncertain significance for Hereditary cancer-predisposing syndrome. Last evaluated: 2025-03-19. Review status: criteria provided, single submitter. Criteria: Ambry Variant Classification Scheme 2023. Collection method: clinical testing. Allele origin: germline.
Comment: The p.S1764G variant (also known as c.5290A>G), located in coding exon 41 of the TSC2 gene, results from an A to G substitution at nucleotide position 5290. The serine at codon 1764 is replaced by glycine, an amino acid with similar properties. This amino acid position is conserved. In addition, the in silico prediction for this alteration is inconclusive. Based on the available evidence, the clinical significance of this variant remains unclear.

NM_000548.5(TSC2):c.5290A>G (p.Ser1764Gly)

Gene: TSC2 (TSC complex subunit 2; plus strand). Cytogenetic location: 16p13.3.
Variant type: single nucleotide variant.
Coding change: c.5290A>G on transcript NM_000548.5 (MANE Select); coding-DNA position 5290, A replaced by G.
Protein change: p.Ser1764Gly; replaces serine 1764 with glycine.
Molecular consequence: missense variant. On other transcripts: non-coding transcript variant (5).
Genome position (GRCh38, 1-based): chr16:2,088,476, A>G. VCF-style: chr16-2088476-A-G. GRCh37 (hg19) VCF-style: chr16-2138477-A-G.
Other names: c.5089A>G, p.Ser1697Gly (NM_001077183.3); c.5221A>G, p.Ser1741Gly (NM_001114382.3); c.4981A>G, p.Ser1661Gly (NM_001318827.2); c.4945A>G, p.Ser1649Gly (NM_001318829.2); c.4558A>G, p.Ser1520Gly (NM_001318831.2); c.5122A>G, p.Ser1708Gly (NM_001318832.2); c.5092A>G, p.Ser1698Gly (NM_001363528.2); c.5158A>G, p.Ser1720Gly (NM_001370404.1); and 27 more; short protein forms S1249G, S1272G, S1273G, S1497G, S1541G, S1564G, S1648G, S1691G.
Identifiers: ClinVar variation 3974628 (VCV003974628.1).